The following is an entry in ClinVar:

ClinVar aggregate classification (germline): Uncertain significance (1 of 4 stars; one submission).

Allele frequency attached by ClinVar (database versions not stated): gnomAD exomes below 0.00001; ExAC 0.00001.
gnomAD v4.1: 2 of 1,612,408 alleles (0.00012%); highest among the groups gnomAD compares: South Asian, 0.0011%; no homozygotes.

Submission:

Women's Health and Genetics/Laboratory Corporation of America, LabCorp
Classification: Uncertain significance. Last evaluated: 2023-11-22. Review status: criteria provided, single submitter. Criteria: LabCorp Variant Classification Summary - May 2015. Collection method: clinical testing. Allele origin: germline.
Comment: Variant summary: PTPN23 c.4495C>T (p.Gln1499X) results in a premature termination codon, predicted to cause a truncation of the encoded protein, but to otherwise escape nonsense-mediated decay. To our knowledge, no downstream variants have been identified as pathogenic with confidence. The variant allele was found at a frequency of 8e-06 in 250058 control chromosomes. The available data on variant occurrences in the general population are insufficient to allow any conclusion about variant significance. To our knowledge, no occurrence of c.4495C>T in individuals affected with Neurodevelopmental Disorder And Structural Brain Anomalies With Or Without Seizures And Spasticity and no experimental evidence demonstrating its impact on protein function have been reported. No submitters have cited clinical-significance assessments for this variant to ClinVar after 2014. Based on the evidence outlined above, the variant was classified as uncertain significance.

NM_015466.4(PTPN23):c.4495C>T (p.Gln1499Ter)

Gene: PTPN23 (protein tyrosine phosphatase non-receptor type 23; plus strand). Cytogenetic location: 3p21.31.
Variant type: single nucleotide variant.
Coding change: c.4495C>T on transcript NM_015466.4 (MANE Select); coding-DNA position 4495, C replaced by T.
Protein change: p.Gln1499Ter; replaces glutamine 1499 with a stop codon.
Molecular consequence: nonsense.
Genome position (GRCh38, 1-based): chr3:47,412,769, C>T. VCF-style: chr3-47412769-C-T. GRCh37 (hg19) VCF-style: chr3-47454259-C-T.
Other names: c.4117C>T, p.Gln1373Ter (NM_001304482.2); short protein forms Q1373*, Q1499*.
Identifiers: ClinVar variation 2682256 (VCV002682256.1), dbSNP rs774229968, ClinGen allele CA2366619.
Genomic context (GRCh38, chr3:47,412,769, plus strand): 5'-CACCTTCCTCAGGACTCCCAGGACCTGGTCCTCGGTGGGGATGTGCCCATCAGCTCCATC[C>T]AGGCCACCATTGCCAAGCTCAGCATTCGGCCTCCTGGGGGGTTGGAGTCCCCGGTTGCCA-3'